The following is an entry in ClinVar:

ClinVar aggregate classification (germline): Likely pathogenic (1 of 4 stars; one submission).

Conditions:
Autosomal recessive limb-girdle muscular dystrophy type 2J (LGMDR10). Also called: Limb-girdle muscular dystrophy, type 2J; MUSCULAR DYSTROPHY, LIMB-GIRDLE, AUTOSOMAL RECESSIVE 10. Identifiers: Orphanet 140922, MedGen C1837342, MONDO:0012127, OMIM 608807.
Dilated cardiomyopathy 1G (CMD1G). Identifiers: Orphanet 154, MedGen C1858763, MONDO:0011400, OMIM 604145.

Submission:

Labcorp Genetics (formerly Invitae), Labcorp
Classification: Likely pathogenic for Dilated cardiomyopathy 1G; Autosomal recessive limb-girdle muscular dystrophy type 2J. Last evaluated: 2023-11-21. Review status: criteria provided, single submitter. Criteria: Invitae Variant Classification Sherloc (09022015). Collection method: clinical testing. Allele origin: germline.
Comment: This sequence change creates a premature translational stop signal (p.Glu21142Metfs*19) in the TTN gene. While this is not anticipated to result in nonsense mediated decay, it is expected to create a truncated TTN protein. This variant is not present in population databases (gnomAD no frequency). This variant has not been reported in the literature in individuals affected with TTN-related conditions. This variant is located in the A band of TTN (PMID: 25589632). Truncating variants in this region are significantly overrepresented in patients affected with dilated cardiomyopathy (PMID: 25589632). Truncating variants in this region have also been reported in individuals affected with autosomal recessive centronuclear myopathy (PMID: 23975875). In summary, the currently available evidence indicates that the variant is pathogenic, but additional data are needed to prove that conclusively. Therefore, this variant has been classified as Likely Pathogenic.

Literature cited by the submitters: PubMed 25589632; PubMed 23975875.

NM_001267550.2(TTN):c.63422_63423dup (p.Glu21142fs)

Genes: TTN-AS1 (TTN antisense RNA 1; plus strand), TTN (titin; minus strand). Cytogenetic location: 2q31.2.
Variant type: Microsatellite.
Coding change: c.63422_63423dup on transcript NM_001267550.2 (MANE Select); coding-DNA positions 63422 to 63423, 2 bases duplicated (AT; older notation c.63422_63423dupAT).
Protein change: p.Glu21142fs; shifts the reading frame from glutamic acid 21142.
Molecular consequence: frameshift variant.
Genome position (GRCh38, 1-based): chr2:178,587,984-178,587,985, AT duplicated on the plus strand (AT on the coding strand, the reverse complement: TTN is on the minus strand); duplicating any 2 consecutive bases within chr2:178,587,984-178,587,987 gives the same sequence; the c. name uses the placement nearest the transcript's 3' end. VCF-style (leftmost placement, unchanged base first): chr2-178587983-C-CAT. GRCh37 (hg19) VCF-style: chr2-179452710-C-CAT.
Other names: c.58499_58500dup, p.Glu19501fs (NM_001256850.1); c.36227_36228dup, p.Glu12077fs (NM_003319.4); c.55718_55719dup, p.Glu18574fs (NM_133378.4); c.36602_36603dup, p.Glu12202fs (NM_133432.3); c.36803_36804dup, p.Glu12269fs (NM_133437.4); short protein forms E12202fs, E18574fs, E21142fs, E12077fs, E19501fs, E12269fs.
Identifiers: ClinVar variation 2952445 (VCV002952445.3), dbSNP rs2469320949, ClinGen allele CA2740096073.